The following is an entry in ClinVar:

NM_005629.4(SLC6A8):c.1302G>A (p.Pro434=)

Gene: SLC6A8 (solute carrier family 6 member 8; plus strand). Cytogenetic location: Xq28.
Variant type: single nucleotide variant.
Coding change: c.1302G>A on transcript NM_005629.4 (MANE Select); coding-DNA position 1302, G replaced by A.
Protein change: p.Pro434=; no amino-acid change (proline 434 retained).
Molecular consequence: synonymous variant.
Genome position (GRCh38, 1-based): chrX:153,694,177, G>A. VCF-style: chrX-153694177-G-A. GRCh37 (hg19) VCF-style: chrX-152959632-G-A.
Other names: c.1272G>A, p.Pro424= (NM_001142805.2); c.957G>A, p.Pro319= (NM_001142806.1).
Identifiers: ClinVar variation 571476 (VCV000571476.9), dbSNP rs1463546168, ClinGen allele CA519344867.

ClinVar aggregate classification (germline): Uncertain significance. Review status: criteria provided, multiple submitters, no conflicts (2 of 4 stars). 3 submissions from 3 submitters: Uncertain significance (3). Last evaluated 2025-03-10.

Conditions:
Creatine transporter deficiency (CCDS1). Also called: Creatine Transporter (CRTR) Deficiency; SLC6A8-Related Creatine Transporter Deficiency; CREATINE TRANSPORTER DEFECT; CEREBRAL CREATINE DEFICIENCY SYNDROME 1; Mental retardation , X-linked with seizures, short stature and midface hypoplasia; Mental retardation , X-linked, with creatine transport deficiency. Identifiers: Orphanet 52503, MedGen C1845862, MONDO:0010305, OMIM 300352.

Allele frequency attached by ClinVar (database versions not stated): gnomAD exomes 0.00001; TOPMed 0.00002.
gnomAD v4.1: 10 of 1,210,532 alleles (0.00083%); highest among the groups gnomAD compares: South Asian, 0.0018%; no homozygotes.

Submissions (3):

Labcorp Genetics (formerly Invitae), Labcorp
Classification: Uncertain significance for Creatine transporter deficiency. Last evaluated: 2025-03-10. Review status: criteria provided, single submitter. Criteria: Invitae Variant Classification Sherloc (09022015). Collection method: clinical testing. Allele origin: germline.
Comment: This sequence change affects codon 434 of the SLC6A8 mRNA. It is a 'silent' change, meaning that it does not change the encoded amino acid sequence of the SLC6A8 protein. This variant is present in population databases (no rsID available, gnomAD 0.001%). This variant has not been reported in the literature in individuals affected with SLC6A8-related conditions. ClinVar contains an entry for this variant (Variation ID: 571476). Algorithms developed to predict the effect of sequence changes on RNA splicing suggest that this variant may create or strengthen a splice site. In summary, the available evidence is currently insufficient to determine the role of this variant in disease. Therefore, it has been classified as a Variant of Uncertain Significance.

GeneDx
Classification: Uncertain significance. Last evaluated: 2020-03-16. Review status: criteria provided, single submitter. Criteria: GeneDx Variant Classification Process June 2021. Collection method: clinical testing. Allele origin: germline. Affected: yes.
Comment: Has not been previously published as pathogenic or benign to our knowledge; In silico analysis suggests this variant may impact gene splicing. In the absence of RNA/functional studies, the actual effect of this sequence change is unknown.

Blueprint Genetics
Classification: Uncertain significance. Last evaluated: 2018-02-13. Review status: criteria provided, single submitter. Criteria: ACMG Guidelines, 2015. Collection method: clinical testing. Allele origin: germline.